The following is an entry in ClinVar:

NM_002439.5(MSH3):c.3173A>G (p.Gln1058Arg)

Gene: MSH3 (mutS homolog 3; plus strand). Cytogenetic location: 5q14.1.
Variant type: single nucleotide variant.
Coding change: c.3173A>G on transcript NM_002439.5 (MANE Select); coding-DNA position 3173, A replaced by G.
Protein change: p.Gln1058Arg; replaces glutamine 1058 with arginine.
Molecular consequence: missense variant.
Genome position (GRCh38, 1-based): chr5:80,873,158, A>G. VCF-style: chr5-80873158-A-G. GRCh37 (hg19) VCF-style: chr5-80168977-A-G.
Other names: short protein forms Q1058R.
Identifiers: ClinVar variation 3296303 (VCV003296303.1).

ClinVar aggregate classification (germline): Uncertain significance (1 of 4 stars; one submission).

Conditions:
Hereditary cancer-predisposing syndrome. Also called: Tumor predisposition; Hereditary Cancer Syndrome; Hereditary neoplastic syndrome; Neoplastic Syndromes, Hereditary. Identifiers: Orphanet 140162, MedGen C0027672, MeSH D009386, MONDO:0015356.

Submission:

Ambry Genetics
Classification: Uncertain significance for Hereditary cancer-predisposing syndrome. Last evaluated: 2024-06-04. Review status: criteria provided, single submitter. Criteria: Ambry Variant Classification Scheme 2023. Collection method: clinical testing. Allele origin: germline.
Comment: The p.Q1058R variant (also known as c.3173A>G), located in coding exon 23 of the MSH3 gene, results from an A to G substitution at nucleotide position 3173. The glutamine at codon 1058 is replaced by arginine, an amino acid with highly similar properties. This amino acid position is conserved. In addition, this alteration is predicted to be deleterious by in silico analysis. Based on the available evidence, the clinical significance of this variant remains unclear.